The following is an entry in ClinVar:

NM_000891.3(KCNJ2):c.394_396dup (p.Ala132dup)

Gene: KCNJ2 (potassium inwardly rectifying channel subfamily J member 2; plus strand). Cytogenetic location: 17q24.3.
Variant type: Duplication.
Coding change: c.394_396dup on transcript NM_000891.3 (MANE Select); coding-DNA positions 394 to 396, 3 bases duplicated (GCC; older notation c.394_396dupGCC).
Protein change: p.Ala132dup; duplicates alanine 132.
Molecular consequence: inframe insertion.
Genome position (GRCh38, 1-based): chr17:70,175,433-70,175,435, GCC duplicated. VCF-style (leftmost placement, unchanged base first): chr17-70175432-T-TGCC. GRCh37 (hg19) VCF-style: chr17-68171573-T-TGCC.
Other names: c.394_396dupGCC (NM_000891.2).
Identifiers: ClinVar variation 190822 (VCV000190822.2), dbSNP rs786205821, ClinGen allele CA302076.

ClinVar aggregate classification (germline): Uncertain significance (1 of 4 stars; one submission).

Submission:

GeneDx
Classification: Uncertain significance. Last evaluated: 2014-09-26. Review status: criteria provided, single submitter. Criteria: GeneDx Variant Classification (06012015). Collection method: clinical testing. Allele origin: germline. Affected: yes.
Comment: The c.396_397insGCC variant has not been published as a variant, nor has it been reported as a benign polymorphism to our knowledge. The c.394_396dupGCC variant results in an in-frame duplication of a highly conserved Alanine residue that resides in the helical pore-forming H5 intramembrane domain of the Kir2.1 channel. The c.394_396dupGCC variant was not observed in approximately 6,500 individuals of European and African American ancestry in the NHLBI Exome Sequencing Project, indicating it is not a common benign variant in these populations. In-frame duplications have not been reported, however, in-frame deletions have been reported in association with Andersen-Tawil syndrome and LQTS. Therefore, based on the currently available information, it is unclear whether this variant is a pathogenic variant or a rare benign variant.